The following is an entry in ClinVar:

NM_024426.6(WT1):c.778T>C (p.Ser260Pro)

Gene: WT1 (WT1 transcription factor; minus strand). Cytogenetic location: 11p13.
Variant type: single nucleotide variant.
Coding change: c.778T>C on transcript NM_024426.6 (MANE Select); coding-DNA position 778, T replaced by C.
Protein change: p.Ser260Pro; replaces serine 260 with proline.
Molecular consequence: missense variant. On other transcripts: non-coding transcript variant (2), intron variant (2).
Genome position (GRCh38, 1-based): chr11:32,428,503, A>G on the plus strand (T>C on the coding strand, the complement: WT1 is on the minus strand). VCF-style: chr11-32428503-A-G. GRCh37 (hg19) VCF-style: chr11-32450049-A-G.
Other names: c.778T>C, p.Ser260Pro (NM_000378.6, NM_001407044.1, NM_001407045.1 and 4 more transcripts); c.127T>C, p.Ser43Pro (NM_001198551.2, NM_001198552.2); c.16T>C, p.Ser6Pro (NM_001407051.1); c.559T>C, p.Ser187Pro (NM_001429031.1, NM_001429032.1, NM_001429033.1 and 1 more transcripts); c.662-445T>C (NM_001407050.1, NM_001407047.1); short protein forms S187P, S255P, S260P, S43P, S6P.
Identifiers: ClinVar variation 4866794 (VCV004866794.1).

ClinVar aggregate classification (germline): Uncertain significance (1 of 4 stars; one submission).

Conditions:
Inborn genetic diseases. Identifiers: MedGen C0950123, MeSH D030342.

Submission:

Ambry Genetics
Classification: Uncertain significance for Inborn genetic diseases. Last evaluated: 2026-04-16. Review status: criteria provided, single submitter. Criteria: Ambry Variant Classification Scheme 2023. Collection method: clinical testing. Allele origin: germline.
Comment: The p.S255P variant (also known as c.763T>C), located in coding exon 2 of the WT1 gene, results from a T to C substitution at nucleotide position 763. The serine at codon 255 is replaced by proline, an amino acid with similar properties. This amino acid position is conserved. In addition, the in silico prediction for this alteration is inconclusive. Based on the available evidence, the clinical significance of this variant remains unclear.